The following is an entry in ClinVar:

ClinVar aggregate classification (germline): Benign/Likely benign. Review status: criteria provided, multiple submitters, no conflicts (2 of 4 stars). 4 submissions from 4 submitters: Benign (1); Likely benign (3). Last evaluated 2025-04-01.

Conditions:
Familial adenomatous polyposis 1 (FAP1). Also called: FAMILIAL ADENOMATOUS POLYPOSIS 1, ATTENUATED; POLYPOSIS, ADENOMATOUS INTESTINAL. Identifiers: MedGen C2713442, MONDO:0021056, OMIM 175100. Disease mechanism: loss of function.
Hereditary cancer-predisposing syndrome. Also called: Neoplastic Syndromes, Hereditary; Tumor predisposition; Hereditary neoplastic syndrome; Hereditary Cancer Syndrome. Identifiers: Orphanet 140162, MedGen C0027672, MeSH D009386, MONDO:0015356.

Submissions (4):

Labcorp Genetics (formerly Invitae), Labcorp
Classification: Likely benign for Familial adenomatous polyposis 1. Last evaluated: 2025-04-01. Review status: criteria provided, single submitter. Criteria: Invitae Variant Classification Sherloc (09022015). Collection method: clinical testing. Allele origin: germline.

Myriad Genetics, Inc.
Classification: Benign for Familial adenomatous polyposis 1. Last evaluated: 2024-02-29. Review status: criteria provided, single submitter. Criteria: Myriad Autosomal Dominant, Autosomal Recessive and X-Linked Classification Criteria (2023). Collection method: clinical testing. Allele origin: unknown.
Comment: This variant is considered benign. This variant is a silent/synonymous amino acid change and it is not expected to impact splicing.

Ambry Genetics
Classification: Likely benign for Hereditary cancer-predisposing syndrome. Last evaluated: 2024-02-02. Review status: criteria provided, single submitter. Criteria: Ambry Variant Classification Scheme 2023. Collection method: clinical testing. Allele origin: germline.

Blueprint Genetics
Classification: Likely benign. Last evaluated: 2022-07-21. Review status: criteria provided, single submitter. Criteria: ACMG Guidelines, 2015. Collection method: clinical testing. Allele origin: germline.

NM_000038.6(APC):c.1038C>T (p.Ser346=)

Gene: APC (APC regulator of Wnt signaling pathway; plus strand). Cytogenetic location: 5q22.2.
Variant type: single nucleotide variant.
Coding change: c.1038C>T on transcript NM_000038.6 (MANE Select); coding-DNA position 1038, C replaced by T.
Protein change: p.Ser346=; no amino-acid change (serine 346 retained).
Molecular consequence: synonymous variant. On other transcripts: non-coding transcript variant (2), intron variant (15).
Genome position (GRCh38, 1-based): chr5:112,819,070, C>T. VCF-style: chr5-112819070-C-T. GRCh37 (hg19) VCF-style: chr5-112154767-C-T.
Other names: c.1038C>T, p.Ser346= (NM_001127510.3, NM_001354895.2, NM_001354896.2 and 4 more transcripts); c.984C>T, p.Ser328= (NM_001127511.3); c.1068C>T, p.Ser356= (NM_001354897.2, NM_001407446.1); c.963C>T, p.Ser321= (NM_001354898.2, NM_001407451.1); c.954C>T, p.Ser318= (NM_001354899.2, NM_001407452.1); c.861C>T, p.Ser287= (NM_001354900.2, NM_001354901.2, NM_001407453.1); c.189C>T, p.Ser63= (NM_001354906.2, NM_001407470.1); c.85-199C>T (NM_001407472.1, NM_001407471.1); and 6 more.
Identifiers: ClinVar variation 2889666 (VCV002889666.5), dbSNP rs2149780211, ClinGen allele CA445755797.